The following is an entry in ClinVar:

ClinVar aggregate classification (germline): Conflicting classifications of pathogenicity. Review status: criteria provided, conflicting classifications (1 of 4 stars). 2 submissions from 2 submitters: Uncertain significance (1); Likely benign (1). Last evaluated 2024-10-08.

gnomAD v4.1: 227 of 1,612,714 alleles (0.014%); highest among the groups gnomAD compares: Non-Finnish European, 0.018%; no homozygotes.

Submissions (2):

GeneDx
Classification: Uncertain significance. Last evaluated: 2024-10-08. Review status: criteria provided, single submitter. Criteria: GeneDx Variant Classification Process June 2021. Collection method: clinical testing. Allele origin: germline. Affected: yes.
Comment: In silico analysis does not support a benign or deleterious effect of this variant on protein structure/function; Has not been previously published as pathogenic or benign to our knowledge

CeGaT Center for Human Genetics Tuebingen
Classification: Likely benign. Last evaluated: 2024-09-01. Review status: criteria provided, single submitter. Criteria: CeGaT Center For Human Genetics Tuebingen Variant Classification Criteria Version 2. Collection method: clinical testing. Allele origin: germline. Affected: yes. Observed: 1 variant allele.
Comment: TET3: BP4, BS1

NM_001287491.2(TET3):c.4708G>A (p.Ala1570Thr)

Gene: TET3 (tet methylcytosine dioxygenase 3; plus strand). Cytogenetic location: 2p13.1.
Variant type: single nucleotide variant.
Coding change: c.4708G>A on transcript NM_001287491.2 (MANE Select); coding-DNA position 4708, G replaced by A.
Protein change: p.Ala1570Thr; replaces alanine 1570 with threonine.
Molecular consequence: missense variant.
Genome position (GRCh38, 1-based): chr2:74,101,496, G>A. VCF-style: chr2-74101496-G-A. GRCh37 (hg19) VCF-style: chr2-74328623-G-A.
Other names: c.4429G>A, p.Ala1477Thr (NM_001366022.1); c.4708G>A (NM_001287491.1); short protein forms A1477T, A1570T.
Identifiers: ClinVar variation 3388033 (VCV003388033.14).